The following is an entry in ClinVar:

ClinVar aggregate classification (germline): Uncertain significance (1 of 4 stars; one submission).

Submission:

GeneDx
Classification: Uncertain significance. Last evaluated: 2024-02-05. Review status: criteria provided, single submitter. Criteria: GeneDx Variant Classification Process June 2021. Collection method: clinical testing. Allele origin: germline. Affected: yes.
Comment: Not observed at significant frequency in large population cohorts (gnomAD); Canonical splice site variant in a gene or region of a gene for which loss of function is not a well-established mechanism of disease; Has not been previously published as pathogenic or benign to our knowledge

NM_001100913.3(PACS2):c.661-1G>A

Gene: PACS2 (phosphofurin acidic cluster sorting protein 2; plus strand). Cytogenetic location: 14q32.33.
Variant type: single nucleotide variant.
Coding change: c.661-1G>A on transcript NM_001100913.3 (MANE Select); the canonical splice acceptor site of the intron before coding-DNA position 661, G replaced by A.
Molecular consequence: splice acceptor variant.
Genome position (GRCh38, 1-based): chr14:105,368,458, G>A. VCF-style: chr14-105368458-G-A. GRCh37 (hg19) VCF-style: chr14-105834795-G-A.
Other names: c.460-1G>A (NM_001243127.3); c.661-1G>A (NM_015197.4).
Identifiers: ClinVar variation 3368647 (VCV003368647.1).
Genomic context (GRCh38, chr14:105,368,458, plus strand): 5'-CAGGGTCCTGCCAGCACTATGCAGGCTGCCGTGGCCTCAGCCACTGCATATGTCTCTGCA[G>A]GACTTGGACGAGGACGACTTTGACGTGGGGAAGCCGAAGAAGCAGCGGAGATCGATTGTA-3'